The following is an entry in ClinVar:

NM_005859.5(PURA):c.*8G>A

Gene: PURA (purine rich element binding protein A; plus strand). Cytogenetic location: 5q31.3.
Variant type: single nucleotide variant.
Coding change: c.*8G>A on transcript NM_005859.5 (MANE Select); 8 bases downstream of the stop codon, G replaced by A.
Molecular consequence: 3 prime UTR variant.
Genome position (GRCh38, 1-based): chr5:140,115,158, G>A. VCF-style: chr5-140115158-G-A. GRCh37 (hg19) VCF-style: chr5-139494743-G-A.
Identifiers: ClinVar variation 1801969 (VCV001801969.1), dbSNP rs778185033, ClinGen allele CA563504521.

ClinVar aggregate classification (germline): Uncertain significance (1 of 4 stars; one submission).

Allele frequency attached by ClinVar (database versions not stated): gnomAD 0.00001.

Submission:

GeneDx
Classification: Uncertain significance. Last evaluated: 2022-05-31. Review status: criteria provided, single submitter. Criteria: GeneDx Variant Classification Process June 2021. Collection method: clinical testing. Allele origin: germline. Affected: yes.
Comment: Located in a region that tolerates variation and lacks pathogenic variants; Has not been previously published as pathogenic or benign to our knowledge